The following is an entry in ClinVar:

ClinVar aggregate classification (germline): Pathogenic. Review status: criteria provided, multiple submitters, no conflicts (2 of 4 stars). 3 submissions from 3 submitters: Pathogenic (3). Last evaluated 2025-12-15.

Conditions:
Hereditary cancer-predisposing syndrome. Also called: Neoplastic Syndromes, Hereditary; Hereditary Cancer Syndrome; Tumor predisposition; Hereditary neoplastic syndrome. Identifiers: Orphanet 140162, MedGen C0027672, MeSH D009386, MONDO:0015356.
Familial cancer of breast. Also called: Hereditary breast cancer; hereditary breast carcinoma; BREAST CANCER, FAMILIAL. Identifiers: Orphanet 227535, MedGen C0346153, MONDO:0016419, OMIM 114480. Disease mechanism: loss of function.

Submissions (3):

GeneDx
Classification: Pathogenic. Last evaluated: 2025-12-15. Review status: criteria provided, single submitter. Criteria: GeneDx Variant Classification Process June 2021. Collection method: clinical testing. Allele origin: germline. Affected: yes.
Comment: Frameshift variant predicted to result in protein truncation or nonsense mediated decay in a gene for which loss of function is a known mechanism of disease; Not observed at significant frequency in large population cohorts (gnomAD); Truncating variants in this gene are considered pathogenic by a well-established clinical consortium and/or database; Has not been previously published as pathogenic or benign to our knowledge

Labcorp Genetics (formerly Invitae), Labcorp
Classification: Pathogenic for Familial cancer of breast. Last evaluated: 2025-11-25. Review status: criteria provided, single submitter. Criteria: Invitae Variant Classification Sherloc (09022015). Collection method: clinical testing. Allele origin: germline.
Comment: This sequence change creates a premature translational stop signal (p.Ser168Phefs*17) in the PALB2 gene. It is expected to result in an absent or disrupted protein product. Loss-of-function variants in PALB2 are known to be pathogenic (PMID: 17200668, 17200671, 17200672, 24136930, 25099575). This variant is not present in population databases (gnomAD no frequency). This variant has not been reported in the literature in individuals affected with PALB2-related conditions. ClinVar contains an entry for this variant (Variation ID: 545862). For these reasons, this variant has been classified as Pathogenic.

Ambry Genetics
Classification: Pathogenic for Hereditary cancer-predisposing syndrome. Last evaluated: 2025-01-31. Review status: criteria provided, single submitter. Criteria: Ambry Variant Classification Scheme 2023. Collection method: clinical testing. Allele origin: germline.
Comment: The c.502dupT pathogenic mutation, located in coding exon 4 of the PALB2 gene, results from a duplication of T at nucleotide position 502, causing a translational frameshift with a predicted alternate stop codon (p.S168Ffs*17). This variant is considered to be rare based on population cohorts in the Genome Aggregation Database (gnomAD). This alteration is expected to result in loss of function by premature protein truncation or nonsense-mediated mRNA decay. As such, this alteration is interpreted as a disease-causing mutation.

Literature cited by the submitters: PubMed 17200668 (cited by Labcorp Genetics (formerly Invitae), Labcorp); PubMed 17200671 (cited by Labcorp Genetics (formerly Invitae), Labcorp); PubMed 17200672 (cited by Labcorp Genetics (formerly Invitae), Labcorp); PubMed 24136930 (cited by Labcorp Genetics (formerly Invitae), Labcorp); PubMed 25099575 (cited by Labcorp Genetics (formerly Invitae), Labcorp).

NM_024675.4(PALB2):c.502dup (p.Ser168fs)

Gene: PALB2 (partner and localizer of BRCA2; minus strand). Cytogenetic location: 16p12.2.
Variant type: Duplication.
Coding change: c.502dup on transcript NM_024675.4 (MANE Select); coding-DNA position 502, one base duplicated (T; older notation c.502dupT).
Protein change: p.Ser168fs; shifts the reading frame from serine 168.
Molecular consequence: frameshift variant.
Genome position (GRCh38, 1-based): chr16:23,636,044, A duplicated on the plus strand (T on the coding strand, the reverse complement: PALB2 is on the minus strand); the first of 2 consecutive A bases (chr16:23,636,044-23,636,045); duplicating either gives the same sequence. VCF-style (leftmost placement, unchanged base first): chr16-23636043-G-GA. GRCh37 (hg19) VCF-style: chr16-23647364-G-GA.
Other names: c.502dupT (NM_024675.3); short protein forms S168fs.
Identifiers: ClinVar variation 545862 (VCV000545862.12), dbSNP rs1555461777, ClinGen allele CA658824050.